The following is an entry in ClinVar:

ClinVar aggregate classification (germline): Uncertain significance (1 of 4 stars; one submission).

Allele frequency attached by ClinVar (database versions not stated): ExAC 0.00002; gnomAD 0.00002; gnomAD exomes 0.00002; TOPMed 0.00003.
gnomAD v4.1: 35 of 1,600,216 alleles (0.0022%); highest among the groups gnomAD compares: African/African-American, 0.004%; no homozygotes.

Submission:

Labcorp Genetics (formerly Invitae), Labcorp
Classification: Uncertain significance. Last evaluated: 2024-02-17. Review status: criteria provided, single submitter. Criteria: Invitae Variant Classification Sherloc (09022015). Collection method: clinical testing. Allele origin: germline.
Comment: This sequence change replaces arginine, which is basic and polar, with cysteine, which is neutral and slightly polar, at codon 692 of the TBCK protein (p.Arg692Cys). This variant is present in population databases (rs35790205, gnomAD 0.007%). This variant has not been reported in the literature in individuals affected with TBCK-related conditions. ClinVar contains an entry for this variant (Variation ID: 1436991). Advanced modeling of protein sequence and biophysical properties (such as structural, functional, and spatial information, amino acid conservation, physicochemical variation, residue mobility, and thermodynamic stability) performed at Invitae indicates that this missense variant is not expected to disrupt TBCK protein function with a negative predictive value of 80%. In summary, the available evidence is currently insufficient to determine the role of this variant in disease. Therefore, it has been classified as a Variant of Uncertain Significance.

NM_001163435.3(TBCK):c.2074C>T (p.Arg692Cys)

Gene: TBCK (TBC1 domain containing kinase; minus strand). Cytogenetic location: 4q24.
Variant type: single nucleotide variant.
Coding change: c.2074C>T on transcript NM_001163435.3 (MANE Select); coding-DNA position 2074, C replaced by T.
Protein change: p.Arg692Cys; replaces arginine 692 with cysteine.
Molecular consequence: missense variant.
Genome position (GRCh38, 1-based): chr4:106,171,256, G>A on the plus strand (C>T on the coding strand, the complement: TBCK is on the minus strand). VCF-style: chr4-106171256-G-A. GRCh37 (hg19) VCF-style: chr4-107092413-G-A.
Other names: c.2074C>T, p.Arg692Cys (NM_001163436.4); c.1957C>T, p.Arg653Cys (NM_001163437.3); c.1558C>T, p.Arg520Cys (NM_001290768.2); c.1885C>T, p.Arg629Cys (NM_033115.5); short protein forms R692C, R520C, R653C, R629C.
Identifiers: ClinVar variation 1436991 (VCV001436991.6), dbSNP rs35790205, ClinGen allele CA3034808.